The following is an entry in ClinVar:

ClinVar aggregate classification (germline): Likely benign. Review status: criteria provided, multiple submitters, no conflicts (2 of 4 stars). 4 submissions from 4 submitters: Likely benign (3). 1 of the submissions does not count toward it. Last evaluated 2026-01-17.

Conditions:
Usher syndrome type 1 (USH1). Also called: RETINITIS PIGMENTOSA AND CONGENITAL DEAFNESS. Identifiers: Orphanet 231169, Orphanet 886, MedGen C1568247, MONDO:0010168, OMIM 276900.
Autosomal recessive nonsyndromic hearing loss 2. Also called: NEUROSENSORY NONSYNDROMIC RECESSIVE DEAFNESS 2; DEAFNESS, AUTOSOMAL RECESSIVE 2. Identifiers: Orphanet 90636, MedGen C1838701, MONDO:0010807, OMIM 600060.

Allele frequency attached by ClinVar (database versions not stated): gnomAD 0.00013; ESP Exome Variant Server 0.00016; TOPMed 0.00018.
gnomAD v4.1: 43 of 1,553,080 alleles (0.0028%); highest among the groups gnomAD compares: African/African-American, 0.053%; no homozygotes.

Submissions (4):

Labcorp Genetics (formerly Invitae), Labcorp
Classification: Likely benign. Last evaluated: 2026-01-17. Review status: criteria provided, single submitter. Criteria: Invitae Variant Classification Sherloc (09022015). Collection method: clinical testing. Allele origin: germline.

Blueprint Genetics
Classification: Likely benign. Last evaluated: 2024-10-08. Review status: criteria provided, single submitter. Criteria: ACMG Guidelines, 2015. Collection method: clinical testing. Allele origin: germline.

Laboratory for Molecular Medicine, Mass General Brigham Personalized Medicine
Classification: Likely benign. Last evaluated: 2013-05-13. Review status: criteria provided, single submitter. Criteria: LMM Criteria. Collection method: clinical testing. Allele origin: germline. Observed: 2 variant alleles.
Comment: Lys502Lys in exon 13 of MYO7A: This variant is not expected to have clinical sig nificance because it does not alter an amino acid residue, is not located within the splice consensus sequence, and has been identified in 2/4284 African Americ an chromosomes from a broad population by the NHLBI Exome Sequencing Project.

Counsyl
Classification: Likely benign for Usher syndrome type 1; Autosomal recessive nonsyndromic hearing loss 2. Last evaluated: 2017-01-05. Review status: no assertion criteria provided. Collection method: clinical testing. Allele origin: unknown. Not counted in ClinVar's aggregate classification.

NM_000260.4(MYO7A):c.1506G>A (p.Lys502=)

Gene: MYO7A (myosin VIIA; plus strand). Cytogenetic location: 11q13.5.
Variant type: single nucleotide variant.
Coding change: c.1506G>A on transcript NM_000260.4 (MANE Select); coding-DNA position 1506, G replaced by A.
Protein change: p.Lys502=; no amino-acid change (lysine 502 retained).
Molecular consequence: synonymous variant.
Genome position (GRCh38, 1-based): chr11:77,162,282, G>A. VCF-style: chr11-77162282-G-A. GRCh37 (hg19) VCF-style: chr11-76873328-G-A.
Other names: c.1506G>A, p.Lys502= (NM_001127180.2); c.1473G>A, p.Lys491= (NM_001369365.1).
Identifiers: ClinVar variation 178479 (VCV000178479.14), dbSNP rs181126043, ClinGen allele CA182410.